The following is an entry in ClinVar:

ClinVar aggregate classification (germline): Conflicting classifications of pathogenicity. Review status: criteria provided, conflicting classifications (1 of 4 stars). 7 submissions from 7 submitters: Uncertain significance (6); Likely benign (1). Last evaluated 2026-01-25.

Conditions:
Inborn genetic diseases. Identifiers: MedGen C0950123, MeSH D030342.
Autosomal recessive limb-girdle muscular dystrophy. Identifiers: Orphanet 102015, MedGen C2931907, MONDO:0015152.
Neuromuscular disease caused by qualitative or quantitative defects of dysferlin. Also called: Dysferlinopathy; Qualitative or quantitative defects of dysferlin. Identifiers: Orphanet 207073, MedGen C2931687, MONDO:0016145.

Allele frequency attached by ClinVar (database versions not stated): gnomAD 0.00007 and 0.00009; ESP Exome Variant Server 0.00008; gnomAD exomes 0.00013; TOPMed 0.00014; ExAC 0.00016.
gnomAD v4.1: 194 of 1,614,114 alleles (0.012%); highest among the groups gnomAD compares: Middle Eastern, 0.016%; no homozygotes.

Submissions (7):

Labcorp Genetics (formerly Invitae), Labcorp
Classification: Likely benign for Neuromuscular disease caused by qualitative or quantitative defects of dysferlin. Last evaluated: 2026-01-25. Review status: criteria provided, single submitter. Criteria: Invitae Variant Classification Sherloc (09022015). Collection method: clinical testing. Allele origin: germline.

Myriad Genetics, Inc.
Classification: Uncertain significance for Autosomal recessive limb-girdle muscular dystrophy. Last evaluated: 2025-08-18. Review status: criteria provided, single submitter. Criteria: Myriad Autosomal Dominant, Autosomal Recessive and X-Linked Classification Criteria (2023). Collection method: clinical testing. Allele origin: unknown.
Comment: NM_003494.3(DYSF):c.2671G>A(V891I) is a missense variant classified as a variant of uncertain significance in the context of dysferlinopathy. V891I has not been observed in cases with relevant disease. Relevant functional assessments of this variant are not available in the literature. V891I has been observed in referenced population frequency databases. In summary, there is insufficient evidence to classify NM_003494.3(DYSF):c.2671G>A(V891I) as pathogenic or benign. Please note: this variant was assessed in the context of healthy population screening.

Revvity Omics, Revvity
Classification: Uncertain significance. Last evaluated: 2020-07-10. Review status: criteria provided, single submitter. Criteria: ACMG Guidelines, 2015. Collection method: clinical testing. Allele origin: germline.

CeGaT Center for Human Genetics Tuebingen
Classification: Uncertain significance. Last evaluated: 2018-06-01. Review status: criteria provided, single submitter. Criteria: CeGaT Center For Human Genetics Tuebingen Variant Classification Criteria Version 2. Collection method: clinical testing. Allele origin: germline. Affected: yes. Observed: 1 variant allele.

Illumina Laboratory Services, Illumina
Classification: Uncertain significance for Qualitative or quantitative defects of dysferlin. Last evaluated: 2018-01-13. Review status: criteria provided, single submitter. Criteria: ICSL Variant Classification Criteria 13 December 2019. Collection method: clinical testing. Allele origin: germline.

Ambry Genetics
Classification: Uncertain significance for Inborn genetic diseases. Last evaluated: 2017-12-14. Review status: criteria provided, single submitter. Criteria: Ambry exome assertion method (8-5-2015). Collection method: clinical testing. Allele origin: germline. Affected: yes. Observed: 1 variant allele.

Eurofins Ntd Llc (ga)
Classification: Uncertain significance. Last evaluated: 2015-11-03. Review status: criteria provided, single submitter. Criteria: EGL Classification Definitions 2015. Collection method: clinical testing. Allele origin: germline. Observed: 2 variant alleles, 2 heterozygotes.

NM_001130987.2(DYSF):c.2725G>A (p.Val909Ile)

Gene: DYSF (dysferlin; plus strand). Cytogenetic location: 2p13.2.
Variant type: single nucleotide variant.
Coding change: c.2725G>A on transcript NM_001130987.2 (MANE Select); coding-DNA position 2725, G replaced by A.
Protein change: p.Val909Ile; replaces valine 909 with isoleucine.
Molecular consequence: missense variant.
Genome position (GRCh38, 1-based): chr2:71,568,199, G>A. VCF-style: chr2-71568199-G-A. GRCh37 (hg19) VCF-style: chr2-71795329-G-A.
Other names: c.2674G>A, p.Val892Ile (NM_001130455.2, NM_001130983.2); c.2629G>A, p.Val877Ile (NM_001130976.2, NM_001130977.2); c.2671G>A, p.Val891Ile (NM_001130978.2, NM_003494.4); c.2764G>A, p.Val922Ile (NM_001130979.2); c.2722G>A, p.Val908Ile (NM_001130980.2, NM_001130981.2); c.2767G>A, p.Val923Ile (NM_001130982.2); c.2632G>A, p.Val878Ile (NM_001130984.2, NM_001130986.2); c.2725G>A, p.Val909Ile (NM_001130985.2); short protein forms V891I, V909I, V878I, V922I, V923I, V892I, V908I, V877I.
Identifiers: ClinVar variation 195961 (VCV000195961.65), dbSNP rs201622087, ClinGen allele CA242686.